The following is an entry in ClinVar:

ClinVar aggregate classification (germline): Uncertain significance. Review status: criteria provided, multiple submitters, no conflicts (2 of 4 stars). 2 submissions from 2 submitters: Uncertain significance (2). Last evaluated 2025-11-07.

Conditions:
Inborn genetic diseases. Identifiers: MedGen C0950123, MeSH D030342.

Allele frequency attached by ClinVar (database versions not stated): gnomAD exomes 0.00001; TOPMed 0.00002; ESP Exome Variant Server 0.00015.
gnomAD v4.1: 5 of 1,614,200 alleles (0.00031%); highest among the groups gnomAD compares: Non-Finnish European, 0.00042%; no homozygotes.

Submissions (2):

Labcorp Genetics (formerly Invitae), Labcorp
Classification: Uncertain significance. Last evaluated: 2025-11-07. Review status: criteria provided, single submitter. Criteria: Invitae Variant Classification Sherloc (09022015). Collection method: clinical testing. Allele origin: germline.
Comment: This sequence change replaces proline, which is neutral and non-polar, with serine, which is neutral and polar, at codon 108 of the SLC7A9 protein (p.Pro108Ser). This variant is not present in population databases (gnomAD no frequency). This variant has not been reported in the literature in individuals affected with SLC7A9-related conditions. ClinVar contains an entry for this variant (Variation ID: 1983765). Invitae Evidence Modeling of protein sequence and biophysical properties (such as structural, functional, and spatial information, amino acid conservation, physicochemical variation, residue mobility, and thermodynamic stability) indicates that this missense variant is not expected to disrupt SLC7A9 protein function with a negative predictive value of 80%. In summary, the available evidence is currently insufficient to determine the role of this variant in disease. Therefore, it has been classified as a Variant of Uncertain Significance.

Ambry Genetics
Classification: Uncertain significance for Inborn genetic diseases. Last evaluated: 2025-10-24. Review status: criteria provided, single submitter. Criteria: Ambry Variant Classification Scheme 2023. Collection method: clinical testing. Allele origin: germline.

NM_014270.5(SLC7A9):c.322C>T (p.Pro108Ser)

Gene: SLC7A9 (solute carrier family 7 member 9; minus strand). Cytogenetic location: 19q13.11.
Variant type: single nucleotide variant.
Coding change: c.322C>T on transcript NM_014270.5 (MANE Select); coding-DNA position 322, C replaced by T.
Protein change: p.Pro108Ser; replaces proline 108 with serine.
Molecular consequence: missense variant.
Genome position (GRCh38, 1-based): chr19:32,864,252, G>A on the plus strand (C>T on the coding strand, the complement: SLC7A9 is on the minus strand). VCF-style: chr19-32864252-G-A. GRCh37 (hg19) VCF-style: chr19-33355158-G-A.
Other names: c.322C>T, p.Pro108Ser (NM_001126335.2, NM_001243036.2); c.322C>T (NM_014270.4); short protein forms P108S.
Identifiers: ClinVar variation 1983765 (VCV001983765.5), dbSNP rs146189404, ClinGen allele CA307510152.